The following is an entry in ClinVar:

ClinVar aggregate classification (germline): Uncertain significance. Review status: criteria provided, multiple submitters, no conflicts (2 of 4 stars). 2 submissions from 2 submitters: Uncertain significance (2). Last evaluated 2024-03-09.

Submissions (2):

Labcorp Genetics (formerly Invitae), Labcorp
Classification: Uncertain significance. Last evaluated: 2024-03-09. Review status: criteria provided, single submitter. Criteria: Invitae Variant Classification Sherloc (09022015). Collection method: clinical testing. Allele origin: germline.
Comment: This sequence change replaces threonine, which is neutral and polar, with alanine, which is neutral and non-polar, at codon 75 of the OPHN1 protein (p.Thr75Ala). This variant is not present in population databases (gnomAD no frequency). This variant has not been reported in the literature in individuals affected with OPHN1-related conditions. An algorithm developed to predict the effect of missense changes on protein structure and function (PolyPhen-2) suggests that this variant is likely to be tolerated. In summary, the available evidence is currently insufficient to determine the role of this variant in disease. Therefore, it has been classified as a Variant of Uncertain Significance.

GeneDx
Classification: Uncertain significance. Last evaluated: 2023-06-12. Review status: criteria provided, single submitter. Criteria: GeneDx Variant Classification Process June 2021. Collection method: clinical testing. Allele origin: germline. Affected: yes.
Comment: Not observed at significant frequency in large population cohorts (gnomAD); In silico analysis supports that this missense variant does not alter protein structure/function; Has not been previously published as pathogenic or benign to our knowledge

NM_002547.3(OPHN1):c.223A>G (p.Thr75Ala)

Gene: OPHN1 (oligophrenin 1; minus strand). Cytogenetic location: Xq12.
Variant type: single nucleotide variant.
Coding change: c.223A>G on transcript NM_002547.3 (MANE Select); coding-DNA position 223, A replaced by G.
Protein change: p.Thr75Ala; replaces threonine 75 with alanine.
Molecular consequence: missense variant.
Genome position (GRCh38, 1-based): chrX:68,299,028, T>C on the plus strand (A>G on the coding strand, the complement: OPHN1 is on the minus strand). VCF-style: chrX-68299028-T-C. GRCh37 (hg19) VCF-style: chrX-67518870-T-C.
Other names: short protein forms T75A.
Identifiers: ClinVar variation 3359709 (VCV003359709.3).
Genomic context (GRCh38, chrX:68,299,028, plus strand): 5'-CAGGTATATGACCACATGTAGCTGAAGACTTACCGATGTTAATTTCATCATCAGTCAGAG[T>C]GTCTCCAATGAAATCAAACTGAAATGACTGCAGCGTCTGGGAAAATTTCTGAACAGCAGA-3'
Protein context (NP_002538.1, residues 65-85): QSFQFDFIGD[Thr75Ala]LTDDEINIAE